The following is an entry in ClinVar:

ClinVar aggregate classification (germline): Likely benign (1 of 4 stars; one submission).

Allele frequency attached by ClinVar (database versions not stated): gnomAD exomes 0.00001; TOPMed 0.00009; gnomAD 0.00011 and 0.00013.
gnomAD v4.1: 22 of 985,842 alleles (0.0022%); highest among the groups gnomAD compares: African/African-American, 0.037%; no homozygotes.

Submission:

GeneDx
Classification: Likely benign. Last evaluated: 2017-09-25. Review status: criteria provided, single submitter. Criteria: GeneDx Variant Classification (06012015). Collection method: clinical testing. Allele origin: germline. Affected: yes.
Comment: This variant is considered likely benign or benign based on one or more of the following criteria: it is a conservative change, it occurs at a poorly conserved position in the protein, it is predicted to be benign by multiple in silico algorithms, and/or has population frequency not consistent with disease.

NM_000038.6(APC):c.-19+20T>C

Gene: APC (APC regulator of WNT signaling pathway; plus strand). Cytogenetic location: 5q22.2.
Variant type: single nucleotide variant.
Coding change: c.-19+20T>C on transcript NM_000038.6 (MANE Select); 20 bases into the intron after 19 bases upstream of the start codon, T replaced by C.
Molecular consequence: intron variant.
Genome position (GRCh38, 1-based): chr5:112,737,945, T>C. VCF-style: chr5-112737945-T-C. GRCh37 (hg19) VCF-style: chr5-112073642-T-C.
Other names: c.-18-16928T>C (NM_001354895.2); c.166-28381T>C (NM_001354897.2, NM_001354902.2, NM_001127511.3); c.-127+20T>C (NM_001127510.3); c.-49+20T>C (NM_001354898.2, NM_001354904.2); c.-1054+20T>C (NM_001354906.2); c.-19+20T>C (NM_001354896.2, NM_001354903.2, NM_001354899.2); c.-43+20T>C (NM_001354900.2, NM_001354901.2, NM_001354905.2).
Identifiers: ClinVar variation 382842 (VCV000382842.1), dbSNP rs1025523700, ClinGen allele CA16604754.